The following is an entry in ClinVar:

NM_003072.5(SMARCA4):c.113C>G (p.Ser38Cys)

Gene: SMARCA4 (SWI/SNF related BAF chromatin remodeling complex subunit ATPase 4; plus strand). Cytogenetic location: 19p13.2.
Variant type: single nucleotide variant.
Coding change: c.113C>G on transcript NM_003072.5 (MANE Select); coding-DNA position 113, C replaced by G.
Protein change: p.Ser38Cys; replaces serine 38 with cysteine.
Molecular consequence: missense variant. On other transcripts: non-coding transcript variant (1).
Genome position (GRCh38, 1-based): chr19:10,984,264, C>G. VCF-style: chr19-10984264-C-G. GRCh37 (hg19) VCF-style: chr19-11094940-C-G.
Other names: c.113C>G, p.Ser38Cys (NM_001128844.3, NM_001128845.2, NM_001128846.2 and 6 more transcripts); short protein forms S38C.
Identifiers: ClinVar variation 3445982 (VCV003445982.1).
Genomic context (GRCh38, chr19:10,984,264, plus strand): 5'-CGGGCCCTGGCCCTTCCCCTGGAGCCATGCTGGGCCCTAGCCCGGGTCCCTCGCCGGGCT[C>G]CGCCCACAGCATGATGGGGCCCAGCCCAGGGCCGCCCTCAGCAGGACACCCCATCCCCAC-3'
Protein context (NP_003063.2, residues 28-48): LGPSPGPSPG[Ser38Cys]AHSMMGPSPG

ClinVar aggregate classification (germline): Uncertain significance (1 of 4 stars; one submission).

Conditions:
Hereditary cancer-predisposing syndrome. Also called: Tumor predisposition; Neoplastic Syndromes, Hereditary; Hereditary neoplastic syndrome; Hereditary Cancer Syndrome. Identifiers: Orphanet 140162, MedGen C0027672, MeSH D009386, MONDO:0015356.

Submission:

Ambry Genetics
Classification: Uncertain significance for Hereditary cancer-predisposing syndrome. Last evaluated: 2024-07-27. Review status: criteria provided, single submitter. Criteria: Ambry Variant Classification Scheme 2023. Collection method: clinical testing. Allele origin: germline.
Comment: The p.S38C variant (also known as c.113C>G), located in coding exon 1 of the SMARCA4 gene, results from a C to G substitution at nucleotide position 113. The serine at codon 38 is replaced by cysteine, an amino acid with dissimilar properties. This amino acid position is conserved. In addition, the in silico prediction for this alteration is inconclusive. Based on the available evidence, the clinical significance of this variant remains unclear.